The following is an entry in ClinVar:

NM_017672.6(TRPM7):c.3+1G>C

Genes: TRPM7 (transient receptor potential cation channel subfamily M member 7; minus strand), LOC128092252 (uncharacterized LOC128092252; minus strand). Cytogenetic location: 15q21.2.
Variant type: single nucleotide variant.
Coding change: c.3+1G>C on transcript NM_017672.6 (MANE Select); the canonical splice donor site of the intron after coding-DNA position 3, G replaced by C.
Molecular consequence: splice donor variant.
Genome position (GRCh38, 1-based): chr15:50,686,530, C>G on the plus strand (G>C on the coding strand, the complement: TRPM7 is on the minus strand). VCF-style: chr15-50686530-C-G. GRCh37 (hg19) VCF-style: chr15-50978727-C-G.
Other names: c.3+1G>C (NM_001301212.2); c.187+1G>C (NM_001414947.1).
Identifiers: ClinVar variation 998083 (VCV000998083.3), dbSNP rs2140998768, ClinGen allele CA392412907.

ClinVar aggregate classification (germline): Pathogenic (0 of 4 stars; one submission).

Conditions:
Intestinal hypomagnesemia 1. Also called: HYPOMAGNESEMIA, INTESTINAL, WITH SECONDARY HYPOCALCEMIA; HYPOMAGNESEMIC TETANY. Identifiers: Orphanet 30924, MedGen C1865974, MONDO:0011176, OMIM 602014.

Submission:

Molecular Genetics, Georges Pompidou European Hospital
Classification: Pathogenic for Intestinal hypomagnesemia 1. Last evaluated: 2021-03-03. Review status: no assertion criteria provided. Collection method: clinical testing. Allele origin: unknown. Inheritance: Autosomal dominant inheritance. Affected: yes. Observed: 3 variant alleles, 3 heterozygotes. Clinical features observed: Hypomagnesemia with secondary hypocalcemia type 2.
Comment: Variant located in the first nucleotide of the intron 1 predicted to abolish the splicing score. Studies in fibroblasts showed the presence of the normal spliced mRNA and also of a larger band(s). Sanger sequencing of this band(s) indicated that this transcript consists of defective spliced mRNAs that all contain parts of intron 1. The most common transcript (~ 80% of all defective transcripts) includes the first part of intron 1 and splices from position +71 to exon 2.